The following is an entry in ClinVar:

NM_198578.4(LRRK2):c.6146T>C (p.Ile2049Thr)

Gene: LRRK2 (leucine rich repeat kinase 2; plus strand). Cytogenetic location: 12q12.
Variant type: single nucleotide variant.
Coding change: c.6146T>C on transcript NM_198578.4 (MANE Select); coding-DNA position 6146, T replaced by C.
Protein change: p.Ile2049Thr; replaces isoleucine 2049 with threonine.
Molecular consequence: missense variant.
Genome position (GRCh38, 1-based): chr12:40,346,789, T>C. VCF-style: chr12-40346789-T-C. GRCh37 (hg19) VCF-style: chr12-40740591-T-C.
Other names: short protein forms I2049T.
Identifiers: ClinVar variation 1751859 (VCV001751859.2), dbSNP rs1441821329, ClinGen allele CA384405408.
Genomic context (GRCh38, chr12:40,346,789, plus strand): 5'-ATTATTTTATCTGCTTACTTTCAGGGTTTCGTGCACCTGAAGTTGCCAGAGGAAATGTCA[T>C]TTATAACCAACAGGCTGATGTTTATTCATTTGGTTTACTACTCTATGACATTTTGACAAC-3'
Protein context (NP_940980.4, residues 2039-2059): RAPEVARGNV[Ile2049Thr]YNQQADVYSF

ClinVar aggregate classification (germline): Uncertain significance (1 of 4 stars; one submission).

Conditions:
Inborn genetic diseases. Identifiers: MedGen C0950123, MeSH D030342.

Allele frequency attached by ClinVar (database versions not stated): TOPMed below 0.00001; gnomAD 0.00001.
gnomAD v4.1: 1 of 1,613,882 alleles (0.000062%); highest among the groups gnomAD compares: African/African-American, 0.0013%; no homozygotes.

Submission:

Ambry Genetics
Classification: Uncertain significance for Inborn genetic diseases. Last evaluated: 2021-12-12. Review status: criteria provided, single submitter. Criteria: Ambry Variant Classification Scheme 2023. Collection method: clinical testing. Allele origin: germline.
Comment: The p.I2049T variant (also known as c.6146T>C), located in coding exon 42 of the LRRK2 gene, results from a T to C substitution at nucleotide position 6146. The isoleucine at codon 2049 is replaced by threonine, an amino acid with similar properties. This amino acid position is conserved. In addition, this alteration is predicted to be tolerated by in silico analysis. Since supporting evidence is limited at this time, the clinical significance of this alteration remains unclear.